The following is an entry in ClinVar:

ClinVar aggregate classification (germline): Pathogenic (1 of 4 stars; one submission).

gnomAD v4.1: 1 of 1,614,022 alleles (0.000062%); highest among the groups gnomAD compares: South Asian, 0.0011%; no homozygotes.

Submission:

Labcorp Genetics (formerly Invitae), Labcorp
Classification: Pathogenic. Last evaluated: 2025-07-30. Review status: criteria provided, single submitter. Criteria: Invitae Variant Classification Sherloc (09022015). Collection method: clinical testing. Allele origin: germline.
Comment: This sequence change creates a premature translational stop signal (p.Glu87*) in the CLCN7 gene. It is expected to result in an absent or disrupted protein product. Loss-of-function variants in CLCN7 are known to be pathogenic (PMID: 14584882, 19953639). This variant is not present in population databases (gnomAD no frequency). This variant has not been reported in the literature in individuals affected with CLCN7-related conditions. ClinVar contains an entry for this variant (Variation ID: 2846756). For these reasons, this variant has been classified as Pathogenic.

Literature cited by the submitters: PubMed 14584882; PubMed 19953639.

NM_001287.6(CLCN7):c.259G>T (p.Glu87Ter)

Gene: CLCN7 (Cl-/H+ antiporter 7; minus strand). Cytogenetic location: 16p13.3.
Variant type: single nucleotide variant.
Coding change: c.259G>T on transcript NM_001287.6 (MANE Select); coding-DNA position 259, G replaced by T.
Protein change: p.Glu87Ter; replaces glutamic acid 87 with a stop codon.
Molecular consequence: nonsense.
Genome position (GRCh38, 1-based): chr16:1,461,629, C>A on the plus strand (G>T on the coding strand, the complement: CLCN7 is on the minus strand). VCF-style: chr16-1461629-C-A. GRCh37 (hg19) VCF-style: chr16-1511630-C-A.
Other names: c.187G>T, p.Glu63Ter (NM_001114331.3); short protein forms E87*, E63*.
Identifiers: ClinVar variation 2846756 (VCV002846756.3), dbSNP rs1161063400, ClinGen allele CA394193195.